The following is an entry in ClinVar:

ClinVar aggregate classification (germline): Uncertain significance (1 of 4 stars; one submission).

Conditions:
Hereditary hemorrhagic telangiectasia (HHT). Also called: ORW DISEASE; Osler Weber Rendu syndrome; OSLER-RENDU-WEBER DISEASE; Osler hemorrhagic telangiectasia syndrome. Identifiers: Orphanet 774, MedGen C0039445, MONDO:0019180. Disease mechanism: loss of function.

Submission:

Labcorp Genetics (formerly Invitae), Labcorp
Classification: Uncertain significance for Hereditary hemorrhagic telangiectasia. Last evaluated: 2022-10-10. Review status: criteria provided, single submitter. Criteria: Invitae Variant Classification Sherloc (09022015). Collection method: clinical testing. Allele origin: germline.
Comment: This variant results in a copy number gain of the genomic region encompassing exon(s) 7-8 of the ENG gene. While the exact position of this variant cannot be determined from the data, sub-genic copy number gains are generally in tandem (PMID: 25640679). This variant is predicted to be in-frame, and likely preserves the integrity of the reading frame. This variant has not been reported in the literature in individuals affected with ENG-related conditions. Experimental studies and prediction algorithms are not available or were not evaluated, and the functional significance of this variant is currently unknown. In summary, the available evidence is currently insufficient to determine the role of this variant in disease. Therefore, it has been classified as a Variant of Uncertain Significance.

Literature cited by the submitters: PubMed 25640679.

NC_000009.11:g.(?_130586563)_(130587263_?)dup

Gene: ENG (endoglin; minus strand). Cytogenetic location: 9q34.11.
Variant type: Duplication.
Identifiers: ClinVar variation 2422374 (VCV002422374.6).